The following is an entry in ClinVar:

NM_024298.5(MBOAT7):c.309C>T (p.Ala103=)

Gene: MBOAT7 (membrane bound acylglycerophosphatidylinositol O-acyltransferase MBOAT7; minus strand). Cytogenetic location: 19q13.42.
Variant type: single nucleotide variant.
Coding change: c.309C>T on transcript NM_024298.5 (MANE Select); coding-DNA position 309, C replaced by T.
Protein change: p.Ala103=; no amino-acid change (alanine 103 retained).
Molecular consequence: synonymous variant. On other transcripts: intron variant (2).
Genome position (GRCh38, 1-based): chr19:54,187,185, G>A on the plus strand (C>T on the coding strand, the complement: MBOAT7 is on the minus strand). VCF-style: chr19-54187185-G-A. GRCh37 (hg19) VCF-style: chr19-54691067-G-A.
Other names: c.309C>T, p.Ala103= (NM_001146082.3); c.114+1032C>T (NM_001146056.3, NM_001146083.3).
Identifiers: ClinVar variation 4872323 (VCV004872323.3).

ClinVar aggregate classification (germline): Likely benign. Review status: criteria provided, multiple submitters, no conflicts (2 of 4 stars). 2 submissions from 2 submitters: Likely benign (2). Last evaluated 2026-05-01.

gnomAD v4.1: 64 of 1,585,338 alleles (0.004%); highest among the groups gnomAD compares: African/African-American, 0.027%; 2 homozygotes.

Submissions (2):

CeGaT Center for Human Genetics Tuebingen
Classification: Likely benign. Last evaluated: 2026-05-01. Review status: criteria provided, single submitter. Criteria: CeGaT Center For Human Genetics Tuebingen Variant Classification Criteria Version 2. Collection method: clinical testing. Allele origin: germline. Affected: yes. Observed: 1 variant allele.
Comment: MBOAT7: BP4, BP7

Blueprint Genetics
Classification: Likely benign. Last evaluated: 2024-04-18. Review status: criteria provided, single submitter. Criteria: ACMG Guidelines, 2015. Collection method: clinical testing. Allele origin: germline.